The following is an entry in ClinVar:

ClinVar aggregate classification (germline): Uncertain significance (1 of 4 stars; one submission).

Conditions:
Autosomal dominant nocturnal frontal lobe epilepsy 5. Also called: KCNT1-Related Epilepsy; CILIARY DYSKINESIA, PRIMARY, 28, WITHOUT SITUS INVERSUS; CILIARY DYSKINESIA, PRIMARY, 28, WITH SITUS INVERSUS; Epilepsy, nocturnal frontal lobe, 5. Identifiers: Orphanet 98784, MedGen C3554306, MONDO:0014002, OMIM 615005.
Developmental and epileptic encephalopathy, 14 (DEE14). Also called: Early infantile epileptic encephalopathy 14. Identifiers: Orphanet 293181, MedGen C3554195, MONDO:0013989, OMIM 614959.

gnomAD v4.1: 2 of 1,605,818 alleles (0.00012%); highest among the groups gnomAD compares: Non-Finnish European, 0.00017%; no homozygotes.

Submission:

Labcorp Genetics (formerly Invitae), Labcorp
Classification: Uncertain significance for Autosomal dominant nocturnal frontal lobe epilepsy 5; Developmental and epileptic encephalopathy, 14. Last evaluated: 2024-03-07. Review status: criteria provided, single submitter. Criteria: Invitae Variant Classification Sherloc (09022015). Collection method: clinical testing. Allele origin: germline.
Comment: This sequence change falls in intron 23 of the KCNT1 gene. It does not directly change the encoded amino acid sequence of the KCNT1 protein. This variant is not present in population databases (gnomAD no frequency). This variant has not been reported in the literature in individuals affected with KCNT1-related conditions. Algorithms developed to predict the effect of sequence changes on RNA splicing suggest that this variant may disrupt the consensus splice site. In summary, the available evidence is currently insufficient to determine the role of this variant in disease. Therefore, it has been classified as a Variant of Uncertain Significance.

NM_020822.3(KCNT1):c.2730-5C>G

Gene: KCNT1 (potassium sodium-activated channel subfamily T member 1; plus strand). Cytogenetic location: 9q34.3.
Variant type: single nucleotide variant.
Coding change: c.2730-5C>G on transcript NM_020822.3 (MANE Select); 5 bases into the intron before coding-DNA position 2730, C replaced by G.
Molecular consequence: intron variant.
Genome position (GRCh38, 1-based): chr9:135,779,354, C>G. VCF-style: chr9-135779354-C-G. GRCh37 (hg19) VCF-style: chr9-138671200-C-G.
Other names: c.2595-5C>G (NM_001272003.2).
Identifiers: ClinVar variation 3755155 (VCV003755155.2).